The following is an entry in ClinVar:

ClinVar aggregate classification (germline): Pathogenic (1 of 4 stars; one submission).

Submission:

Labcorp Genetics (formerly Invitae), Labcorp
Classification: Pathogenic. Last evaluated: 2023-06-06. Review status: criteria provided, single submitter. Criteria: Invitae Variant Classification Sherloc (09022015). Collection method: clinical testing. Allele origin: germline.
Comment: For these reasons, this variant has been classified as Pathogenic. This variant has not been reported in the literature in individuals affected with CEP152-related conditions. This variant is not present in population databases (gnomAD no frequency). This sequence change creates a premature translational stop signal (p.Gln251Thrfs*6) in the CEP152 gene. It is expected to result in an absent or disrupted protein product. Loss-of-function variants in CEP152 are known to be pathogenic (PMID: 21131973).

Literature cited by the submitters: PubMed 21131973.

NM_001194998.2(CEP152):c.751_752del (p.Gln251fs)

Gene: CEP152 (centrosomal protein 152; minus strand). Cytogenetic location: 15q21.1.
Variant type: Deletion.
Coding change: c.751_752del on transcript NM_001194998.2 (MANE Select); coding-DNA positions 751 to 752, 2 bases deleted (CA; older notation c.751_752delCA).
Protein change: p.Gln251fs; shifts the reading frame from glutamine 251.
Molecular consequence: frameshift variant.
Genome position (GRCh38, 1-based): chr15:48,793,401-48,793,402, TG deleted on the plus strand (CA on the coding strand, the reverse complement: CEP152 is on the minus strand); deleting any 2 consecutive bases within chr15:48,793,401-48,793,403 gives the same sequence; the c. name uses the placement nearest the transcript's 3' end. VCF-style (leftmost placement, unchanged base first): chr15-48793400-TTG-T. GRCh37 (hg19) VCF-style: chr15-49085597-TTG-T.
Other names: c.751_752del, p.Gln251fs (NM_014985.4); short protein forms Q251fs.
Identifiers: ClinVar variation 2864771 (VCV002864771.3), dbSNP rs2504897519, ClinGen allele CA2739269460.